The following is an entry in ClinVar:

NM_005219.5(DIAPH1):c.865A>G (p.Met289Val)

Gene: DIAPH1 (diaphanous related formin 1; minus strand). Cytogenetic location: 5q31.3.
Variant type: single nucleotide variant.
Coding change: c.865A>G on transcript NM_005219.5 (MANE Select); coding-DNA position 865, A replaced by G.
Protein change: p.Met289Val; replaces methionine 289 with valine.
Molecular consequence: missense variant.
Genome position (GRCh38, 1-based): chr5:141,579,156, T>C on the plus strand (A>G on the coding strand, the complement: DIAPH1 is on the minus strand). VCF-style: chr5-141579156-T-C. GRCh37 (hg19) VCF-style: chr5-140958723-T-C.
Other names: c.838A>G, p.Met280Val (NM_001079812.3); c.865A>G, p.Met289Val (NM_001314007.2); short protein forms M280V, M289V.
Identifiers: ClinVar variation 4785049 (VCV004785049.1).

ClinVar aggregate classification (germline): Uncertain significance (1 of 4 stars; one submission).

Conditions:
Progressive microcephaly-seizures-cortical blindness-developmental delay syndrome. Also called: Seizures, cortical blindness, and microcephaly syndrome. Identifiers: Orphanet 477814, MedGen C5567650, MONDO:0014714, OMIM 616632.
Autosomal dominant nonsyndromic hearing loss 1. Also called: DEAFNESS, AUTOSOMAL DOMINANT 1, WITH OR WITHOUT THROMBOCYTOPENIA; KONIGSMARK SYNDROME. Identifiers: Orphanet 90635, MedGen C1852282, MONDO:0007424, OMIM 124900.

Submission:

Labcorp Genetics (formerly Invitae), Labcorp
Classification: Uncertain significance for Progressive microcephaly-seizures-cortical blindness-developmental delay syndrome; Autosomal dominant nonsyndromic hearing loss 1. Last evaluated: 2026-01-24. Review status: criteria provided, single submitter. Criteria: Invitae Variant Classification Sherloc (09022015). Collection method: clinical testing. Allele origin: germline.
Comment: This sequence change replaces methionine, which is neutral and non-polar, with valine, which is neutral and non-polar, at codon 289 of the DIAPH1 protein (p.Met289Val). This variant is not present in population databases (gnomAD no frequency). This variant has not been reported in the literature in individuals affected with DIAPH1-related conditions. Experimental studies and prediction algorithms are not available or were not evaluated, and the functional significance of this variant is currently unknown. In summary, the available evidence is currently insufficient to determine the role of this variant in disease. Therefore, it has been classified as a Variant of Uncertain Significance.